The following is an entry in ClinVar:

NM_032043.3(BRIP1):c.379+8A>T

Gene: BRIP1 (BRCA1 interacting DNA helicase 1; minus strand). Cytogenetic location: 17q23.2.
Variant type: single nucleotide variant.
Coding change: c.379+8A>T on transcript NM_032043.3 (MANE Select); 8 bases into the intron after coding-DNA position 379, A replaced by T.
Molecular consequence: intron variant.
Genome position (GRCh38, 1-based): chr17:61,857,050, T>A on the plus strand (A>T on the coding strand, the complement: BRIP1 is on the minus strand). VCF-style: chr17-61857050-T-A. GRCh37 (hg19) VCF-style: chr17-59934411-T-A.
Identifiers: ClinVar variation 3378556 (VCV003378556.3).
Genomic context (GRCh38, chr17:61,857,050, plus strand): 5'-GGCTTATAACAGTAATAATTAAGACTCTTATTACAGATATCAACTGACCCAGGCAAAATA[T>A]AAATTACCTTGACAAGTTGATGAAGTGCCATTTCTTTCAGAAGGTGGTGTGCTTGGATAG-3'

ClinVar aggregate classification (germline): Likely benign. Review status: criteria provided, multiple submitters, no conflicts (2 of 4 stars). 2 submissions from 2 submitters: Likely benign (2). Last evaluated 2024-08-21.

Conditions:
Fanconi anemia complementation group J. Also called: BRIP1-Related Fanconi Anemia. Identifiers: Orphanet 84, MedGen C1836860, MONDO:0012187, OMIM 609054.
Familial cancer of breast. Also called: hereditary breast carcinoma; BREAST CANCER, FAMILIAL; Hereditary breast cancer. Identifiers: Orphanet 227535, MedGen C0346153, MONDO:0016419, OMIM 114480. Disease mechanism: loss of function.

Submissions (2):

Myriad Genetics, Inc.
Classification: Likely benign for Familial cancer of breast. Last evaluated: 2024-08-21. Review status: criteria provided, single submitter. Criteria: Myriad Autosomal Dominant, Autosomal Recessive and X-Linked Classification Criteria (2023). Collection method: clinical testing. Allele origin: unknown.
Comment: This variant is considered likely benign. This variant is intronic and is not expected to impact mRNA splicing.

Labcorp Genetics (formerly Invitae), Labcorp
Classification: Likely benign for Familial cancer of breast; Fanconi anemia complementation group J. Last evaluated: 2024-02-13. Review status: criteria provided, single submitter. Criteria: Invitae Variant Classification Sherloc (09022015). Collection method: clinical testing. Allele origin: germline.